The following is an entry in ClinVar:

NM_001395159.1(UNC79):c.7167G>A (p.Ala2389=)

Gene: UNC79 (unc-79 subunit of NALCN channel complex; plus strand). Cytogenetic location: 14q32.12.
Variant type: single nucleotide variant.
Coding change: c.7167G>A on transcript NM_001395159.1 (MANE Select); coding-DNA position 7167, G replaced by A.
Protein change: p.Ala2389=; no amino-acid change (alanine 2389 retained).
Molecular consequence: synonymous variant.
Genome position (GRCh38, 1-based): chr14:93,686,586, G>A. VCF-style: chr14-93686586-G-A. GRCh37 (hg19) VCF-style: chr14-94152932-G-A.
Other names: c.7101G>A, p.Ala2367= (NM_001346218.2); c.6420G>A, p.Ala2140= (NM_020818.5).
Identifiers: ClinVar variation 4533855 (VCV004533855.6).

ClinVar aggregate classification (germline): Likely benign (1 of 4 stars; one submission).

gnomAD v4.1: 144 of 1,614,164 alleles (0.0089%); highest among the groups gnomAD compares: East Asian, 0.11%; 3 homozygotes.

Submission:

CeGaT Center for Human Genetics Tuebingen
Classification: Likely benign. Last evaluated: 2025-10-01. Review status: criteria provided, single submitter. Criteria: CeGaT Center For Human Genetics Tuebingen Variant Classification Criteria Version 2. Collection method: clinical testing. Allele origin: germline. Affected: yes. Observed: 1 variant allele.
Comment: UNC79: BP4, BP7